The following is an entry in ClinVar:

NM_007294.4(BRCA1):c.4026A>C (p.Ser1342=)

Genes: BRCA1 (BRCA1 DNA repair associated; minus strand), LOC126862571 (BRD4-independent group 4 enhancer GRCh37_chr17:41243136-41244335; plus strand). Cytogenetic location: 17q21.31.
Variant type: single nucleotide variant.
Coding change: c.4026A>C on transcript NM_007294.4 (MANE Select); coding-DNA position 4026, A replaced by C.
Protein change: p.Ser1342=; no amino-acid change (serine 1342 retained).
Molecular consequence: synonymous variant. On other transcripts: intron variant (135).
Genome position (GRCh38, 1-based): chr17:43,091,505, T>G on the plus strand (A>C on the coding strand, the complement: BRCA1 is on the minus strand). VCF-style: chr17-43091505-T-G. GRCh37 (hg19) VCF-style: chr17-41243522-T-G.
Other names: c.4026A>C (NM_007300.3); c.3759A>C, p.Ser1253= (NM_001407930.1, NM_001407931.1, NM_001407932.1 and 2 more transcripts); c.3762A>C, p.Ser1254= (NM_001407933.1, NM_001407935.1, NM_001407920.1 and 9 more transcripts); c.3903A>C, p.Ser1301= (NM_001407937.1, NM_001407938.1, NM_001407939.1 and 19 more transcripts); c.3900A>C, p.Ser1300= (NM_001407940.1, NM_001407941.1, NM_001407649.1 and 11 more transcripts); c.3885A>C, p.Ser1295= (NM_001407942.1, NM_001407944.1, NM_001407945.1 and 29 more transcripts); c.3882A>C, p.Ser1294= (NM_001407943.1, NM_001407964.1, NM_001407740.1 and 20 more transcripts); c.3693A>C, p.Ser1231= (NM_001407946.1, NM_001407947.1, NM_001407948.1 and 6 more transcripts); and 42 more.
Identifiers: ClinVar variation 427262 (VCV000427262.25), dbSNP rs80356828, ClinGen allele CA290832322.
Genomic context (GRCh38, chr17:43,091,505, plus strand): 5'-ATCCATGCTTTGCTCTTCTTGATTATTTTCTTCCAAGCCCGTTCCTCTTTCTTCATCATC[T>G]GAAACCAATTCCTTGTCACTCAGACCAACTCCCTGGCTTTCAGACTGATGCCTCATTTGT-3'
Protein context (NP_009225.1, residues 1332-1352): GVGLSDKELV[Ser1342=]DDEERGTGLE

ClinVar aggregate classification (germline): Likely benign. Review status: reviewed by expert panel (3 of 4 stars). 10 submissions from 10 submitters: Likely benign (1). 9 of the submissions do not count toward it. Last evaluated 2017-06-29.

Conditions:
Hereditary cancer-predisposing syndrome. Also called: Neoplastic Syndromes, Hereditary; Hereditary neoplastic syndrome; Tumor predisposition; Hereditary Cancer Syndrome. Identifiers: Orphanet 140162, MedGen C0027672, MeSH D009386, MONDO:0015356.
Hereditary breast ovarian cancer syndrome. Also called: Hereditary breast and ovarian cancer syndrome (HBOC); BRCA1- and BRCA2-Associated Hereditary Breast and Ovarian Cancer; Hereditary breast and/or ovarian cancer syndrome; Hereditary breast and ovarian cancer syndrome; Hereditary breast and ovarian cancer; Breast and ovarian cancer. Identifiers: Orphanet 145, MedGen C0677776, MeSH D061325, MONDO:0003582. Disease mechanism: loss of function.
BRCA1-related disorder. Also called: BRCA1-related condition.
Breast-ovarian cancer, familial, susceptibility to, 1 (BROVCA1). Also called: BRCA1 Hereditary Breast and Ovarian Cancer; OVARIAN CANCER, SUSCEPTIBILITY TO. Identifiers: Orphanet 145, MedGen C2676676, MONDO:0011450, OMIM 604370. Disease mechanism: loss of function.

Allele frequency attached by ClinVar (database versions not stated): gnomAD 0.00001; 1000 Genomes Project 30x 0.00016; 1000 Genomes Project 0.00020.
gnomAD v4.1: 5 of 1,613,810 alleles (0.00031%); highest among the groups gnomAD compares: Middle Eastern, 0.05%; no homozygotes.

Submissions (10):

Evidence-based Network for the Interpretation of Germline Mutant Alleles (ENIGMA)
Classification: Likely benign for Breast-ovarian cancer, familial, susceptibility to, 1. Last evaluated: 2017-06-29. Review status: reviewed by expert panel. Criteria: ENIGMA BRCA1/2 Classification Criteria (2017-06-29). Collection method: curation. Allele origin: germline.
Comment: Synonymous substitution variant, with low bioinformatic likelihood to result in a splicing aberration (Splicing prior probability 0.02).

Labcorp Genetics (formerly Invitae), Labcorp
Classification: Likely benign for Hereditary breast ovarian cancer syndrome. Last evaluated: 2025-08-24. Review status: criteria provided, single submitter. Criteria: Invitae Variant Classification Sherloc (09022015). Collection method: clinical testing. Allele origin: germline. Not counted in ClinVar's aggregate classification.

KCCC/NGS Laboratory, Kuwait Cancer Control Center
Classification: Likely benign for Breast-ovarian cancer, familial, susceptibility to, 1. Last evaluated: 2023-07-07. Review status: criteria provided, single submitter. Criteria: ACMG Guidelines, 2015. Collection method: clinical testing. Allele origin: germline. Affected: yes. Not counted in ClinVar's aggregate classification.

Blueprint Genetics
Classification: Likely benign. Last evaluated: 2023-03-10. Review status: criteria provided, single submitter. Criteria: ACMG Guidelines, 2015. Collection method: clinical testing. Allele origin: germline. Not counted in ClinVar's aggregate classification.

Women's Health and Genetics/Laboratory Corporation of America, LabCorp
Classification: Likely benign. Last evaluated: 2021-12-24. Review status: criteria provided, single submitter. Criteria: LabCorp Variant Classification Summary - May 2015. Collection method: clinical testing. Allele origin: germline. Not counted in ClinVar's aggregate classification.

GeneDx
Classification: Likely benign. Last evaluated: 2020-12-18. Review status: criteria provided, single submitter. Criteria: GeneDx Variant Classification Process June 2021. Collection method: clinical testing. Allele origin: germline. Affected: yes. Not counted in ClinVar's aggregate classification.

Ambry Genetics
Classification: Likely benign for Hereditary cancer-predisposing syndrome. Last evaluated: 2020-12-13. Review status: criteria provided, single submitter. Criteria: Ambry Variant Classification Scheme 2023. Collection method: clinical testing. Allele origin: germline. Not counted in ClinVar's aggregate classification.

Color Diagnostics, LLC DBA Color Health
Classification: Likely benign for Hereditary cancer-predisposing syndrome. Last evaluated: 2017-08-26. Review status: criteria provided, single submitter. Criteria: ACMG Guidelines, 2015. Collection method: clinical testing. Allele origin: germline. Not counted in ClinVar's aggregate classification.

BRCAlab, Lund University
Classification: Likely benign for Breast-ovarian cancer, familial, susceptibility to, 1. Last evaluated: 2020-03-02. Review status: no assertion criteria provided. Collection method: clinical testing. Allele origin: germline. Affected: yes. Not counted in ClinVar's aggregate classification.

PreventionGenetics, part of Exact Sciences
Classification: Likely benign for BRCA1-related condition. Last evaluated: 2019-02-19. Review status: no assertion criteria provided. Collection method: clinical testing. Allele origin: germline. Not counted in ClinVar's aggregate classification.
Comment: This variant is classified as likely benign based on ACMG/AMP sequence variant interpretation guidelines (Richards et al. 2015 PMID: 25741868, with internal and published modifications).